The following is an entry in ClinVar:

NM_001267550.2(TTN):c.48478G>A (p.Glu16160Lys)

Genes: TTN (titin; minus strand), TTN-AS1 (TTN antisense RNA 1; plus strand). Cytogenetic location: 2q31.2.
Variant type: single nucleotide variant.
Coding change: c.48478G>A on transcript NM_001267550.2 (MANE Select); coding-DNA position 48478, G replaced by A.
Protein change: p.Glu16160Lys; replaces glutamic acid 16160 with lysine.
Molecular consequence: missense variant.
Genome position (GRCh38, 1-based): chr2:178,615,467, C>T on the plus strand (G>A on the coding strand, the complement: TTN is on the minus strand). VCF-style: chr2-178615467-C-T. GRCh37 (hg19) VCF-style: chr2-179480194-C-T.
Other names: c.43555G>A, p.Glu14519Lys (NM_001256850.1); c.21283G>A, p.Glu7095Lys (NM_003319.4); c.40774G>A, p.Glu13592Lys (NM_133378.4); c.21658G>A, p.Glu7220Lys (NM_133432.3); c.21859G>A, p.Glu7287Lys (NM_133437.4); short protein forms E16160K, E7095K, E7287K, E7220K, E13592K, E14519K.
Identifiers: ClinVar variation 672273 (VCV000672273.1), dbSNP rs1314919427, ClinGen allele CA349609415.

ClinVar aggregate classification (germline): Likely benign (1 of 4 stars; one submission).

Allele frequency attached by ClinVar (database versions not stated): gnomAD exomes below 0.00001 and 0.00001; TOPMed below 0.00001; gnomAD 0.00001.
gnomAD v4.1: 8 of 1,612,024 alleles (0.0005%); highest among the groups gnomAD compares: Non-Finnish European, 0.00059%; no homozygotes.

Submission:

GeneDx
Classification: Likely benign. Last evaluated: 2018-06-11. Review status: criteria provided, single submitter. Criteria: GeneDx Variant Classification (06012015). Collection method: clinical testing. Allele origin: germline. Affected: yes.
Comment: This variant is considered likely benign or benign based on one or more of the following criteria: it is a conservative change, it occurs at a poorly conserved position in the protein, it is predicted to be benign by multiple in silico algorithms, and/or has population frequency not consistent with disease.